The following is an entry in ClinVar:

ClinVar aggregate classification (germline): Uncertain significance. Review status: criteria provided, multiple submitters, no conflicts (2 of 4 stars). 4 submissions from 4 submitters: Uncertain significance (4). Last evaluated 2026-02-09.

Conditions:
TUB-related disorder. Also called: TUB-related condition.

Allele frequency attached by ClinVar (database versions not stated): gnomAD 0.00001; gnomAD exomes 0.00003.
gnomAD v4.1: 9 of 1,614,154 alleles (0.00056%); highest among the groups gnomAD compares: Admixed American, 0.015%; no homozygotes.

Submissions (4):

PreventionGenetics, part of Exact Sciences
Classification: Uncertain significance for TUB-related condition. Last evaluated: 2026-02-09. Review status: criteria provided, single submitter. Criteria: ACMG Guidelines, 2015. Collection method: clinical testing. Allele origin: germline.
Comment: The TUB c.1343A>G variant is predicted to result in the amino acid substitution p.Asn448Ser. To our knowledge, this variant has not been reported in the literature. This variant is reported in 0.020% of alleles in individuals of Latino descent in gnomAD. At this time, the clinical significance of this variant is uncertain due to the absence of conclusive functional and genetic evidence.

Blueprint Genetics
Classification: Uncertain significance. Last evaluated: 2024-04-12. Review status: criteria provided, single submitter. Criteria: ACMG Guidelines, 2015. Collection method: clinical testing. Allele origin: germline.

Ambry Genetics
Classification: Uncertain significance. Last evaluated: 2021-09-17. Review status: criteria provided, single submitter. Criteria: Ambry Variant Classification Scheme 2023. Collection method: clinical testing. Allele origin: germline.

Labcorp Genetics (formerly Invitae), Labcorp
Classification: Uncertain significance. Last evaluated: 2021-02-23. Review status: criteria provided, single submitter. Criteria: Invitae Variant Classification Sherloc (09022015). Collection method: clinical testing. Allele origin: germline.
Comment: In summary, the available evidence is currently insufficient to determine the role of this variant in disease. Therefore, it has been classified as a Variant of Uncertain Significance. This sequence change replaces asparagine with serine at codon 448 of the TUB protein (p.Asn448Ser). The asparagine residue is moderately conserved and there is a small physicochemical difference between asparagine and serine. This variant is not present in population databases (ExAC no frequency). This variant has not been reported in the literature in individuals with TUB-related conditions. Algorithms developed to predict the effect of missense changes on protein structure and function output the following: SIFT: "Tolerated"; PolyPhen-2: "Benign"; Align-GVGD: "Class C0". The serine amino acid residue is found in multiple mammalian species, suggesting that this missense change does not adversely affect protein function. These predictions have not been confirmed by published functional studies and their clinical significance is uncertain.

NM_177972.3(TUB):c.1178A>G (p.Asn393Ser)

Genes: RIC3 (RIC3 acetylcholine receptor chaperone; minus strand), TUB (TUB bipartite transcription factor; plus strand). Cytogenetic location: 11p15.4.
Variant type: single nucleotide variant.
Coding change: c.1178A>G on transcript NM_177972.3 (MANE Select); coding-DNA position 1178, A replaced by G.
Protein change: p.Asn393Ser; replaces asparagine 393 with serine.
Molecular consequence: missense variant.
Genome position (GRCh38, 1-based): chr11:8,100,564, A>G. VCF-style: chr11-8100564-A-G. GRCh37 (hg19) VCF-style: chr11-8122111-A-G.
Other names: c.1343A>G (NM_003320.4); c.1343A>G, p.Asn448Ser (NM_003320.5); short protein forms N448S, N393S.
Identifiers: ClinVar variation 1503360 (VCV001503360.10), dbSNP rs957860472, ClinGen allele CA217425702.